The following is an entry in ClinVar:

ClinVar aggregate classification (somatic clinical impact): Tier II - Potential (1 of 4 stars; one submission).

Conditions:
Diffuse glioma, H3 G34 mutant. Identifiers: MedGen CN377580, MONDO:0957197.

Submission:

Institute for Genomic Medicine (IGM) Clinical Laboratory, Nationwide Children's Hospital
Classification: Tier II - Potential for Diffuse glioma, H3 G34 mutant. Assertion type: diagnostic. Clinical significance: supports diagnosis. Last evaluated: 2023-05-15. Review status: criteria provided, single submitter. Criteria: AMP/ASCO/CAP Guidelines, 2017. Collection method: clinical testing. Allele origin: somatic. Affected: yes.
Comment: Variant has Tier II (potential) clinical significance as a diagnostic inclusion criterion in diffuse glioma, H3 G34 mutant, based on the following evidence: 1) Documented in one or more cancer databases (e.g., St. Jude Pecan, COSMIC, CIViC, OncoKB). 2) Assists in diagnosis alone or along with other biomarkers based on small studies or few case reports (Evidence Level D; PMIDs: 26061751, 28912153).

Literature cited by the submitters: PubMed 26061751; PubMed 28912153.

NM_017617.5(NOTCH1):c.1008TGA[1] (p.Asp338del)

Gene: NOTCH1 (notch receptor 1; minus strand). Cytogenetic location: 9q34.3.
Variant type: Microsatellite.
Coding change: c.1008TGA[1] on transcript NM_017617.5 (MANE Select); one copy of the 3-base unit TGA starting at c.1008; the reference has two copies in a row; one copy, 3 bases deleted; also written c.1011_1013del.
Protein change: p.Asp338del; deletes aspartic acid 338.
Genome position (GRCh38, 1-based): chr9:136,518,677-136,518,679, TCA deleted on the plus strand (TGA on the coding strand, the reverse complement: NOTCH1 is on the minus strand); deleting any 3 consecutive bases within chr9:136,518,677-136,518,682 gives the same sequence; the position shown is the placement nearest the transcript's 3' end. VCF-style (leftmost placement, unchanged base first): chr9-136518676-GTCA-G. GRCh37 (hg19) VCF-style: chr9-139413128-GTCA-G.
Other names: c.1011_1013del (NM_017617.5); short protein forms D338del.
Identifiers: ClinVar variation 4530435 (VCV004530435.1).